The following is an entry in ClinVar:

ClinVar aggregate classification (germline): Conflicting classifications of pathogenicity. Review status: criteria provided, conflicting classifications (1 of 4 stars). 2 submissions from 2 submitters: Likely pathogenic (1); Uncertain significance (1). Last evaluated 2025-02-03.

Conditions:
Dilated cardiomyopathy 1G (CMD1G). Identifiers: Orphanet 154, MedGen C1858763, MONDO:0011400, OMIM 604145.
Autosomal recessive limb-girdle muscular dystrophy type 2J (LGMDR10). Also called: Limb-girdle muscular dystrophy, type 2J; MUSCULAR DYSTROPHY, LIMB-GIRDLE, AUTOSOMAL RECESSIVE 10. Identifiers: Orphanet 140922, MedGen C1837342, MONDO:0012127, OMIM 608807.

Allele frequency attached by ClinVar (database versions not stated): gnomAD exomes below 0.00001.
gnomAD v4.1: 1 of 1,535,630 alleles (0.000065%); highest among the groups gnomAD compares: African/African-American, 0.0014%; no homozygotes.

Submissions (2):

Labcorp Genetics (formerly Invitae), Labcorp
Classification: Uncertain significance for Dilated cardiomyopathy 1G; Autosomal recessive limb-girdle muscular dystrophy type 2J. Last evaluated: 2025-02-03. Review status: criteria provided, single submitter. Criteria: Invitae Variant Classification Sherloc (09022015). Collection method: clinical testing. Allele origin: germline.
Comment: This sequence change falls in intron 129 of the TTN gene. It does not directly change the encoded amino acid sequence of the TTN protein. It affects a nucleotide within the consensus splice site. This variant is not present in population databases (gnomAD no frequency). This variant has not been reported in the literature in individuals affected with TTN-related conditions. ClinVar contains an entry for this variant (Variation ID: 191140). Variants that disrupt the consensus splice site are a relatively common cause of aberrant splicing (PMID: 17576681, 9536098). Algorithms developed to predict the effect of sequence changes on RNA splicing suggest that this variant may disrupt the consensus splice site. This variant is located in the I band of TTN (PMID: 25589632). Non-truncating variants in this region may be clinically relevant, but have not been definitively shown to cause cardiomyopathy or neuromuscular disease (PMID: 27493940, 32778822). In summary, the available evidence is currently insufficient to determine the role of this variant in disease. Therefore, it has been classified as a Variant of Uncertain Significance.

Genomic Medicine Center of Excellence, King Faisal Specialist Hospital and Research Centre
Classification: Likely pathogenic. Review status: criteria provided, single submitter. Criteria: ACMG Guidelines, 2015. Collection method: research. Allele origin: germline. Affected: yes.

Literature cited by the submitters: PubMed 17576681 (cited by Labcorp Genetics (formerly Invitae), Labcorp); PubMed 9536098 (cited by Labcorp Genetics (formerly Invitae), Labcorp); PubMed 25589632 (cited by Labcorp Genetics (formerly Invitae), Labcorp); PubMed 27493940 (cited by Labcorp Genetics (formerly Invitae), Labcorp); PubMed 32778822 (cited by Labcorp Genetics (formerly Invitae), Labcorp).

NM_001267550.2(TTN):c.32470+3A>G

Gene: TTN (titin; minus strand). Cytogenetic location: 2q31.2.
Variant type: single nucleotide variant.
Coding change: c.32470+3A>G on transcript NM_001267550.2 (MANE Select); 3 bases into the intron after coding-DNA position 32470, A replaced by G.
Molecular consequence: intron variant.
Genome position (GRCh38, 1-based): chr2:178,685,250, T>C on the plus strand (A>G on the coding strand, the complement: TTN is on the minus strand). VCF-style: chr2-178685250-T-C. GRCh37 (hg19) VCF-style: chr2-179549977-T-C.
Other names: c.13283-42933A>G (NM_003319.4); c.13859-42933A>G (NM_133437.4); c.13658-42933A>G (NM_133432.3); c.28738+3A>G (NM_133378.4); c.31519+3A>G (NM_001256850.1).
Identifiers: ClinVar variation 191140 (VCV000191140.3), dbSNP rs786205543, ClinGen allele CA236099.
Genomic context (GRCh38, chr2:178,685,250, plus strand): 5'-TGTGAAGGTATTATTATATACATTAAAATAAATAGTGTTGCATTTCTTTGAAAGAAATCA[T>C]ACCTTTAGCCGGTGGAGGCTCCTCTATTTTAGCAGGAATTTTTGGTTTCAGTACAATTTT-3'